The following is an entry in ClinVar:

ClinVar aggregate classification (germline): Pathogenic (1 of 4 stars; one submission).

Conditions:
Ehlers-Danlos syndrome, dermatosparaxis type. Also called: EDS VIIC; Dermatosparaxis; Ehlers-Danlos syndrome, type VII, autosomal recessive. Identifiers: Orphanet 1901, MedGen C2700425, MONDO:0009161, OMIM 225410.

Submission:

Myriad Genetics, Inc.
Classification: Pathogenic for Ehlers-Danlos syndrome, dermatosparaxis type. Last evaluated: 2024-05-14. Review status: criteria provided, single submitter. Criteria: Myriad Autosomal Dominant, Autosomal Recessive and X-Linked Classification Criteria (2023). Collection method: clinical testing. Allele origin: unknown.
Comment: NM_014244.4(ADAMTS2):c.324_325ins19(L109Rfs*4) is expected to be pathogenic in the context of Ehlers-Danlos syndrome, ADAMTS2-related. This variant is predicted to lead to an abnormal or absent protein product due to the creation of a premature termination codon in ADAMTS2, a gene where loss-of-function variants are known to be pathogenic. Please note: this variant was assessed in the context of healthy population screening.

NM_014244.5(ADAMTS2):c.324_325insAGATGTGTATAAGAGACAG (p.Leu109delinsArgCysValTer)

Gene: ADAMTS2 (ADAM metallopeptidase with thrombospondin type 1 motif 2; minus strand). Cytogenetic location: 5q35.3.
Variant type: Insertion.
Coding change: c.324_325insAGATGTGTATAAGAGACAG on transcript NM_014244.5 (MANE Select); coding-DNA positions 324 to 325, AGATGTGTATAAGAGACAG inserted.
Protein change: p.Leu109delinsArgCysValTer.
Molecular consequence: nonsense.
Genome position: GRCh38 VCF-style: chr5-179343976-G-GCTGTCTCTTATACACATCT. GRCh37 (hg19) VCF-style: chr5-178770977-G-GCTGTCTCTTATACACATCT.
Other names: c.324_325insAGATGTGTATAAGAGACAG, p.Leu109delinsArgCysValTer (NM_021599.4).
Identifiers: ClinVar variation 5010708 (VCV005010708.1).